The following is an entry in ClinVar:

NM_024649.5(BBS1):c.235G>A (p.Glu79Lys)

Gene: BBS1 (Bardet-Biedl syndrome 1; plus strand). Cytogenetic location: 11q13.2.
Variant type: single nucleotide variant.
Coding change: c.235G>A on transcript NM_024649.5 (MANE Select); coding-DNA position 235, G replaced by A.
Protein change: p.Glu79Lys; replaces glutamic acid 79 with lysine.
Molecular consequence: missense variant.
Genome position (GRCh38, 1-based): chr11:66,514,481, G>A. VCF-style: chr11-66514481-G-A. GRCh37 (hg19) VCF-style: chr11-66281952-G-A.
Other names: short protein forms E79K.
Identifiers: ClinVar variation 305458 (VCV000305458.32), dbSNP rs138744839, ClinGen allele CA6123294.

ClinVar aggregate classification (germline): Conflicting classifications of pathogenicity. Review status: criteria provided, conflicting classifications (1 of 4 stars). 13 submissions from 13 submitters: Uncertain significance (11); Likely benign (1). 1 of the submissions does not count toward it. Last evaluated 2026-08-12.

Conditions:
BBS1-related disorder. Also called: BBS1-related condition.
Bardet-Biedl syndrome (BBS). Identifiers: Orphanet 110, MedGen C0752166, MONDO:0015229.
Bardet-Biedl syndrome 1 (BBS1). Identifiers: MedGen C2936862, MONDO:0008854, OMIM 209900. Disease mechanism: loss of function.
Retinal dystrophy. Also called: Inherited retinal dystrophy. Identifiers: Orphanet 71862, MedGen C0854723, MeSH D058499, MONDO:0019118, HP:0000556.

Allele frequency attached by ClinVar (database versions not stated): gnomAD exomes 0.00076 and 0.00125; 1000 Genomes Project 30x 0.00078; TOPMed 0.00078; ExAC 0.00082; 1000 Genomes Project 0.00100; ESP Exome Variant Server 0.00108; gnomAD 0.00114 and 0.00115.

Submissions (13):

PreventionGenetics, part of Exact Sciences
Classification: Uncertain significance for BBS1-related condition. Last evaluated: 2026-08-12. Review status: criteria provided, single submitter. Criteria: ACMG Guidelines, 2015. Collection method: clinical testing. Allele origin: germline.
Comment: The BBS1 c.235G>A variant is predicted to result in the amino acid substitution p.Glu79Lys. This variant has been reported in two patients with primary ciliary dyskinesia and male infertility (Supp. Table 2, El Khouri et al. 2016. PubMed ID: 27486783), and in the heterozygous state in one patient with retinitis pigmentosa (Table S1, Griffith et al. 2022. PubMed ID: 36011402). This variant was also described in the heterozygous state in a large cohort of individuals with obesity (Minniakhmetov et al. 2025. PubMed ID: 40149731). However, this variant is reported in 0.14% of alleles in individuals of European (Non-Finnish) descent in gnomAD, which may be too common to be a primary cause of disease. Although we suspect that this variant may be benign, at this time, the clinical significance of this variant is uncertain due to the absence of conclusive functional and genetic evidence.

CeGaT Center for Human Genetics Tuebingen
Classification: Uncertain significance. Last evaluated: 2026-01-01. Review status: criteria provided, single submitter. Criteria: CeGaT Center For Human Genetics Tuebingen Variant Classification Criteria Version 2. Collection method: clinical testing. Allele origin: germline. Affected: yes. Observed: 2 variant alleles.

Blueprint Genetics
Classification: Likely benign. Last evaluated: 2024-11-19. Review status: criteria provided, single submitter. Criteria: ACMG Guidelines, 2015. Collection method: clinical testing. Allele origin: germline.

Dept Of Ophthalmology, Nagoya University
Classification: Uncertain significance for Retinal dystrophy. Last evaluated: 2023-10-01. Review status: criteria provided, single submitter. Criteria: Submitter's publication. Collection method: research. Allele origin: germline. Affected: yes.

GeneDx
Classification: Uncertain significance. Last evaluated: 2023-01-17. Review status: criteria provided, single submitter. Criteria: GeneDx Variant Classification Process June 2021. Collection method: clinical testing. Allele origin: germline. Affected: yes.
Comment: In silico analysis supports that this missense variant has a deleterious effect on protein structure/function; Has not been previously published as pathogenic or benign to our knowledge

Labcorp Genetics (formerly Invitae), Labcorp
Classification: Uncertain significance for Bardet-Biedl syndrome. Last evaluated: 2022-10-25. Review status: criteria provided, single submitter. Criteria: Invitae Variant Classification Sherloc (09022015). Collection method: clinical testing. Allele origin: germline.
Comment: This sequence change replaces glutamic acid, which is acidic and polar, with lysine, which is basic and polar, at codon 79 of the BBS1 protein (p.Glu79Lys). This variant is present in population databases (rs138744839, gnomAD 0.1%), and has an allele count higher than expected for a pathogenic variant. This variant has not been reported in the literature in individuals affected with BBS1-related conditions. ClinVar contains an entry for this variant (Variation ID: 305458). Algorithms developed to predict the effect of missense changes on protein structure and function (SIFT, PolyPhen-2, Align-GVGD) all suggest that this variant is likely to be disruptive. In summary, the available evidence is currently insufficient to determine the role of this variant in disease. Therefore, it has been classified as a Variant of Uncertain Significance.

New York Genome Center
Classification: Uncertain significance for Bardet-Biedl syndrome 1. Last evaluated: 2022-03-09. Review status: criteria provided, single submitter. Criteria: NYGC Assertion Criteria 2020. Collection method: clinical testing. Allele origin: germline. Observed: 1 heterozygote.

Fulgent Genetics
Classification: Uncertain significance for Bardet-Biedl syndrome 1. Last evaluated: 2021-09-27. Review status: criteria provided, single submitter. Criteria: ACMG Guidelines, 2015. Collection method: clinical testing. Allele origin: unknown.

Athena Diagnostics
Classification: Uncertain significance. Last evaluated: 2018-08-20. Review status: criteria provided, single submitter. Criteria: Athena Diagnostics Criteria. Collection method: clinical testing. Allele origin: germline.

Baylor Genetics
Classification: Uncertain significance for Bardet-Biedl syndrome 1. Last evaluated: 2018-06-09. Review status: criteria provided, single submitter. Criteria: ACMG Guidelines, 2015. Collection method: clinical testing. Allele origin: maternal. Affected: yes.
Comment: This variant was determined to be of uncertain significance according to ACMG Guidelines, 2015 [PMID:25741868].

Illumina Laboratory Services, Illumina
Classification: Uncertain significance for Bardet-Biedl syndrome 1. Last evaluated: 2018-01-12. Review status: criteria provided, single submitter. Criteria: ICSL Variant Classification Criteria 13 December 2019. Collection method: clinical testing. Allele origin: germline.

Genetic Services Laboratory, University of Chicago
Classification: Uncertain significance. Last evaluated: 2017-08-08. Review status: criteria provided, single submitter. Criteria: ACMG Guidelines, 2015. Collection method: clinical testing. Allele origin: germline. Affected: no.

Natera, Inc.
Classification: Uncertain significance for Bardet-Biedl syndrome type 1. Last evaluated: 2020-09-16. Review status: no assertion criteria provided. Collection method: clinical testing. Allele origin: germline. Not counted in ClinVar's aggregate classification.